The following is an entry in ClinVar:

ClinVar aggregate classification (germline): Likely benign (1 of 4 stars; one submission).

Submission:

CeGaT Center for Human Genetics Tuebingen
Classification: Likely benign. Last evaluated: 2026-02-01. Review status: criteria provided, single submitter. Criteria: CeGaT Center For Human Genetics Tuebingen Variant Classification Criteria Version 2. Collection method: clinical testing. Allele origin: germline. Affected: yes. Observed: 1 variant allele.
Comment: GCNA: BP4

NM_052957.5(GCNA):c.883T>C (p.Ser295Pro)

Gene: GCNA (germ cell nuclear acidic peptidase; plus strand). Cytogenetic location: Xq13.1.
Variant type: single nucleotide variant.
Coding change: c.883T>C on transcript NM_052957.5 (MANE Select); coding-DNA position 883, T replaced by C.
Protein change: p.Ser295Pro; replaces serine 295 with proline.
Molecular consequence: missense variant.
Genome position (GRCh38, 1-based): chrX:71,604,160, T>C. VCF-style: chrX-71604160-T-C. GRCh37 (hg19) VCF-style: chrX-70824010-T-C.
Other names: short protein forms S295P.
Identifiers: ClinVar variation 4820741 (VCV004820741.4).